The following is an entry in ClinVar:

NM_023067.4(FOXL2):c.748_749del (p.Gly250fs)

Gene: FOXL2 (forkhead box L2; minus strand). Cytogenetic location: 3q22.3.
Variant type: Deletion.
Coding change: c.748_749del on transcript NM_023067.4 (MANE Select); coding-DNA positions 748 to 749, 2 bases deleted (GG; older notation c.748_749delGG).
Protein change: p.Gly250fs; shifts the reading frame from glycine 250.
Molecular consequence: frameshift variant.
Genome position (GRCh38, 1-based): chr3:138,945,974-138,945,975, CC deleted on the plus strand (GG on the coding strand, the reverse complement: FOXL2 is on the minus strand); deleting any 2 consecutive bases within chr3:138,945,974-138,945,976 gives the same sequence; the c. name uses the placement nearest the transcript's 3' end. VCF-style (leftmost placement, unchanged base first): chr3-138945973-GCC-G. GRCh37 (hg19) VCF-style: chr3-138664815-GCC-G.
Other names: short protein forms G250fs.
Identifiers: ClinVar variation 369927 (VCV000369927.1), dbSNP rs1057516175, ClinGen allele CA10654867.

ClinVar aggregate classification (germline): Pathogenic (1 of 4 stars; one submission).

Conditions:
Blepharophimosis, ptosis, and epicanthus inversus syndrome. Identifiers: Orphanet 126, MedGen C0220663, MONDO:0007201, OMIM 110100.

Submission:

Genomic Diagnostic Laboratory, Division of Genomic Diagnostics, Children's Hospital of Philadelphia
Classification: Pathogenic for Blepharophimosis, ptosis, and epicanthus inversus syndrome. Last evaluated: 2016-11-03. Review status: criteria provided, single submitter. Criteria: DGD Variant Analysis Guidelines. Collection method: clinical testing. Allele origin: germline. Affected: yes. Observed: 1 variant allele.
Comment: Clinical Testing